The following is an entry in ClinVar:

ClinVar aggregate classification (germline): Uncertain significance. Review status: criteria provided, multiple submitters, no conflicts (2 of 4 stars). 3 submissions from 3 submitters: Uncertain significance (3). Last evaluated 2026-01-20.

Conditions:
Autosomal recessive limb-girdle muscular dystrophy type 2Q (LGMDR17). Also called: MUSCULAR DYSTROPHY, LIMB-GIRDLE, AUTOSOMAL RECESSIVE 17. Identifiers: Orphanet 254361, MedGen C3150989, MONDO:0013390, OMIM 613723.
Epidermolysis bullosa simplex 5B, with muscular dystrophy (EBS5B). Also called: EPIDERMOLYSIS BULLOSA SIMPLEX AND LIMB-GIRDLE MUSCULAR DYSTROPHY; Epidermolysis bullosa simplex with muscular dystrophy. Identifiers: Orphanet 257, MedGen C2931072, MONDO:0009181, OMIM 226670.
Epidermolysis bullosa simplex, Ogna type (EBS5A). Also called: Pidermolysis bullosa simplex 5A, Ogna type; EPIDERMOLYSIS BULLOSA SIMPLEX 5A, OGNA TYPE. Identifiers: Orphanet 79401, MedGen C0432317, MONDO:0007555, OMIM 131950.
Epidermolysis bullosa simplex with nail dystrophy (EBS5D). Identifiers: MedGen C4225309, MONDO:0014661, OMIM 616487.
Epidermolysis bullosa simplex 5C, with pyloric atresia (EBS5C). Also called: PLEC-Related Epidermolysis Bullosa with Pyloric Atresia; Epidermolysis bullosa simplex with pyloric atresia; PLEC1-Related Epidermolysis Bullosa with Pyloric Atresia. Identifiers: Orphanet 158684, MedGen C2677349, MONDO:0012807, OMIM 612138.
PLEC-related disorder. Also called: PLEC-related disorders; PLEC-related condition.

Allele frequency attached by ClinVar (database versions not stated): gnomAD exomes 0.00003 and 0.00012; ExAC 0.00005; TOPMed 0.00005; gnomAD 0.00007; ESP Exome Variant Server 0.00017.
gnomAD v4.1: 190 of 1,596,946 alleles (0.012%); highest among the groups gnomAD compares: Non-Finnish European, 0.014%; no homozygotes.

Submissions (3):

PreventionGenetics, part of Exact Sciences
Classification: Uncertain significance for PLEC-related condition. Last evaluated: 2026-01-20. Review status: criteria provided, single submitter. Criteria: ACMG Guidelines, 2015. Collection method: clinical testing. Allele origin: germline.
Comment: The PLEC c.3710G>A variant is predicted to result in the amino acid substitution p.Arg1237His. This variant has been reported in an individual with posterior uveitis, however information about presence or absence of second variant was not provided (Table S1, Li et al. 2020. PubMed ID: 32707200). This variant is reported in 0.0091% of alleles in individuals of European (Finnish) descent in gnomAD. At this time, the clinical significance of this variant is uncertain due to the absence of conclusive functional and genetic evidence.

Labcorp Genetics (formerly Invitae), Labcorp
Classification: Uncertain significance for Autosomal recessive limb-girdle muscular dystrophy type 2Q; Epidermolysis bullosa simplex, Ogna type; Epidermolysis bullosa simplex with nail dystrophy; Epidermolysis bullosa simplex 5C, with pyloric atresia; Epidermolysis bullosa simplex 5B, with muscular dystrophy. Last evaluated: 2025-10-04. Review status: criteria provided, single submitter. Criteria: Invitae Variant Classification Sherloc (09022015). Collection method: clinical testing. Allele origin: germline.
Comment: This sequence change replaces arginine, which is basic and polar, with histidine, which is basic and polar, at codon 1237 of the PLEC protein (p.Arg1237His). This variant is present in population databases (rs369682125, gnomAD 0.006%). This variant has not been reported in the literature in individuals affected with PLEC-related conditions. ClinVar contains an entry for this variant (Variation ID: 497366). Invitae Evidence Modeling of protein sequence and biophysical properties (such as structural, functional, and spatial information, amino acid conservation, physicochemical variation, residue mobility, and thermodynamic stability) indicates that this missense variant is not expected to disrupt PLEC protein function with a negative predictive value of 80%. In summary, the available evidence is currently insufficient to determine the role of this variant in disease. Therefore, it has been classified as a Variant of Uncertain Significance.

Eurofins Ntd Llc (ga)
Classification: Uncertain significance. Last evaluated: 2016-12-01. Review status: criteria provided, single submitter. Criteria: EGL Classification Definitions 2015. Collection method: clinical testing. Allele origin: germline. Observed: 3 variant alleles, 3 heterozygotes.

NM_201384.3(PLEC):c.3629G>A (p.Arg1210His)

Gene: PLEC (plectin; minus strand). Cytogenetic location: 8q24.3.
Variant type: single nucleotide variant.
Coding change: c.3629G>A on transcript NM_201384.3 (MANE Select); coding-DNA position 3629, G replaced by A.
Protein change: p.Arg1210His; replaces arginine 1210 with histidine.
Molecular consequence: missense variant.
Genome position (GRCh38, 1-based): chr8:143,927,537, C>T on the plus strand (G>A on the coding strand, the complement: PLEC is on the minus strand). VCF-style: chr8-143927537-C-T. GRCh37 (hg19) VCF-style: chr8-145001705-C-T.
Other names: c.3710G>A, p.Arg1237His (NM_000445.5); c.3587G>A, p.Arg1196His (NM_201378.4); c.3563G>A, p.Arg1188His (NM_201379.3); c.4040G>A, p.Arg1347His (NM_201380.4); c.3533G>A, p.Arg1178His (NM_201381.3); c.3629G>A, p.Arg1210His (NM_201382.4); c.3641G>A, p.Arg1214His (NM_201383.3); short protein forms R1178H, R1188H, R1196H, R1210H, R1214H, R1237H, R1347H.
Identifiers: ClinVar variation 497366 (VCV000497366.11), dbSNP rs369682125, ClinGen allele CA4926999.
Genomic context (GRCh38, chr8:143,927,537, plus strand): 5'-TGCCGCCGCCTGGCGTCCTGCAGCCAGGCGCCCAAGGGGTCTGCACTCTCGCGGTAGTAA[C>T]GCAGCTGGCGGCCCAGTTGCTCGAGCTCGCGCTGCCGCACGTCGGTCTGGGCCAGCACAG-3'
Protein context (NP_958786.1, residues 1200-1220): RELEQLGRQL[Arg1210His]YYRESADPLG